The following is an entry in ClinVar:

NM_001378615.1(CC2D2A):c.717+1G>A

Genes: CC2D2A (coiled-coil and C2 domain containing 2A; plus strand), FBXL5 (F-box and leucine rich repeat protein 5; minus strand). Cytogenetic location: 4p15.32.
Variant type: single nucleotide variant.
Coding change: c.717+1G>A on transcript NM_001378615.1 (MANE Select); the canonical splice donor site of the intron after coding-DNA position 717, G replaced by A.
Molecular consequence: splice donor variant.
Genome position (GRCh38, 1-based): chr4:15,511,424, G>A. VCF-style: chr4-15511424-G-A. GRCh37 (hg19) VCF-style: chr4-15513047-G-A.
Other names: c.717+1G>A (NM_001080522.2); c.570+1G>A (NM_001378617.1).
Identifiers: ClinVar variation 2944804 (VCV002944804.3), dbSNP rs1027674181, ClinGen allele CA356409107.
Genomic context (GRCh38, chr4:15,511,424, plus strand): 5'-CAAGAGGAGGAGGAAGGGGAAGAAGAAGAACCACCTGCACAAGGAGGAGGAAAGGAAATG[G>A]TATTTAATATCAGGATGGTAATGAGGTGTGGGTGGAGGGCTAGGAGGAAAAAGCTGATGT-3'

ClinVar aggregate classification (germline): Likely pathogenic (1 of 4 stars; one submission).

Conditions:
Joubert syndrome. Also called: JOUBERT-BOLTSHAUSER SYNDROME; Familial aplasia of the vermis. Identifiers: Orphanet 475, MedGen C5979921, MONDO:0018772.
Meckel-Gruber syndrome. Also called: DYSENCEPHALIA SPLANCHNOCYSTICA; GRUBER SYNDROME; Dysencephalia splachnocystica. Identifiers: Orphanet 564, MedGen C0265215, MONDO:0018921.

Submission:

Labcorp Genetics (formerly Invitae), Labcorp
Classification: Likely pathogenic for Joubert syndrome; Meckel-Gruber syndrome. Last evaluated: 2023-02-28. Review status: criteria provided, single submitter. Criteria: Invitae Variant Classification Sherloc (09022015). Collection method: clinical testing. Allele origin: germline.
Comment: In summary, the currently available evidence indicates that the variant is pathogenic, but additional data are needed to prove that conclusively. Therefore, this variant has been classified as Likely Pathogenic. Algorithms developed to predict the effect of sequence changes on RNA splicing suggest that this variant may disrupt the consensus splice site. This variant has not been reported in the literature in individuals affected with CC2D2A-related conditions. This variant is not present in population databases (gnomAD no frequency). This sequence change affects a donor splice site in intron 9 of the CC2D2A gene. It is expected to disrupt RNA splicing. Variants that disrupt the donor or acceptor splice site typically lead to a loss of protein function (PMID: 16199547), and loss-of-function variants in CC2D2A are known to be pathogenic (PMID: 19777577).

Literature cited by the submitters: PubMed 16199547; PubMed 19777577.